The following is an entry in ClinVar:

ClinVar aggregate classification (germline): Pathogenic/Likely pathogenic. Review status: criteria provided, multiple submitters, no conflicts (2 of 4 stars). 3 submissions from 3 submitters: Pathogenic (2); Likely pathogenic (1). Last evaluated 2022-09-02.

Conditions:
PRPF31-related disorder. Also called: PRPF31-related condition.
Retinitis pigmentosa 11 (RP11). Identifiers: Orphanet 791, MedGen C1838601, MONDO:0010828, OMIM 600138.

Submissions (3):

Victorian Clinical Genetics Services, Murdoch Childrens Research Institute
Classification: Pathogenic for Retinitis pigmentosa 11. Last evaluated: 2022-09-02. Review status: criteria provided, single submitter. Criteria: ACMG Guidelines, 2015. Collection method: clinical testing. Allele origin: germline. Inheritance: Autosomal dominant inheritance. Affected: yes.
Comment: Based on the classification scheme VCGS_Germline_v1.3.4, this variant is classified as Pathogenic. Following criteria are met: 0102 - Loss of function is a known mechanism of disease in this gene and is associated with retinitis pigmentosa 11 (MIM#600138). Dominant negative is a suggested mechanism (PMID: 31892304). (I) 0107 - This gene is associated with autosomal dominant disease. (I) 0112 - The condition associated with this gene has incomplete penetrance (PMID: 32014492). (I) 0115 - Variants in this gene are known to have variable expressivity (PMID: 32014492). (I) 0211 - Canonical splice site variant without proven consequence on splicing (no functional evidence available). (SP) 0251 - This variant is heterozygous. (I) 0301 - Variant is absent from gnomAD (both v2 and v3). (SP) 0505 - Abnormal splicing is predicted by in silico tools and affected nucleotide is highly conserved. (SP) 0703 - Other canonical splice variants comparable to the one identified in this case have moderate previous evidence for pathogenicity. These variants (c.946-2A>C, c.946-1G>C) have been reported as likely pathogenic and pathogenic, with c.946-1G>C observed in a family with retinitis pigmentosa (ClinVar, LOVD, PMID: 20861475). (SP) 0803 - This variant has limited previous evidence of pathogenicity in an unrelated individual. This variant has been reported as likely pathogenic and observed in an individual with retinal dystrophy (ClinVar). (SP) 0905 - No published segregation evidence has been identified for this variant. (I) 1007 - No published functional evidence has been identified for this variant. (I) 1208 - Inheritance information for this variant is not currently available in this individual. (I) Legend: (SP) - Supporting pathogenic, (I) - Information, (SB) - Supporting benign

Labcorp Genetics (formerly Invitae), Labcorp
Classification: Likely pathogenic. Last evaluated: 2022-01-31. Review status: criteria provided, single submitter. Criteria: Invitae Variant Classification Sherloc (09022015). Collection method: clinical testing. Allele origin: germline.
Comment: In summary, the currently available evidence indicates that the variant is pathogenic, but additional data are needed to prove that conclusively. Therefore, this variant has been classified as Likely Pathogenic. Algorithms developed to predict the effect of sequence changes on RNA splicing suggest that this variant may disrupt the consensus splice site. ClinVar contains an entry for this variant (Variation ID: 866758). This variant has not been reported in the literature in individuals affected with PRPF31-related conditions. This variant is not present in population databases (gnomAD no frequency). This sequence change affects an acceptor splice site in intron 9 of the PRPF31 gene. It is expected to disrupt RNA splicing. Variants that disrupt the donor or acceptor splice site typically lead to a loss of protein function (PMID: 16199547), and loss-of-function variants in PRPF31 are known to be pathogenic (PMID: 18317597, 23950152).

Blueprint Genetics
Classification: Pathogenic for PRPF31-related disorders. Last evaluated: 2018-05-09. Review status: criteria provided, single submitter. Criteria: ACMG Guidelines, 2015. Collection method: clinical testing. Allele origin: germline. Affected: yes. Observed: 5 variant alleles.

Literature cited by the submitters: PubMed 20861475 (cited by Victorian Clinical Genetics Services, Murdoch Childrens Research Institute); PubMed 31892304 (cited by Victorian Clinical Genetics Services, Murdoch Childrens Research Institute); PubMed 32014492 (cited by Victorian Clinical Genetics Services, Murdoch Childrens Research Institute); PubMed 16199547 (cited by Labcorp Genetics (formerly Invitae), Labcorp); PubMed 18317597 (cited by Labcorp Genetics (formerly Invitae), Labcorp); PubMed 23950152 (cited by Labcorp Genetics (formerly Invitae), Labcorp).

NM_015629.4(PRPF31):c.946-2A>G

Gene: PRPF31 (pre-mRNA processing factor 31; plus strand). Cytogenetic location: 19q13.42.
Variant type: single nucleotide variant.
Coding change: c.946-2A>G on transcript NM_015629.4 (MANE Select); the canonical splice acceptor site of the intron before coding-DNA position 946, A replaced by G.
Molecular consequence: splice acceptor variant.
Genome position (GRCh38, 1-based): chr19:54,128,071, A>G. VCF-style: chr19-54128071-A-G. GRCh37 (hg19) VCF-style: chr19-54631446-A-G.
Identifiers: ClinVar variation 866758 (VCV000866758.8), dbSNP rs2073961843, ClinGen allele CA407752784.